The following is an entry in ClinVar:

NM_019594.4(LRRC8A):c.596C>T (p.Ser199Leu)

Gene: LRRC8A (leucine rich repeat containing 8 VRAC subunit A; plus strand). Cytogenetic location: 9q34.11.
Variant type: single nucleotide variant.
Coding change: c.596C>T on transcript NM_019594.4 (MANE Select); coding-DNA position 596, C replaced by T.
Protein change: p.Ser199Leu; replaces serine 199 with leucine.
Molecular consequence: missense variant.
Genome position (GRCh38, 1-based): chr9:128,907,760, C>T. VCF-style: chr9-128907760-C-T. GRCh37 (hg19) VCF-style: chr9-131670039-C-T.
Other names: c.596C>T, p.Ser199Leu (NM_001127244.2, NM_001127245.2); short protein forms S199L.
Identifiers: ClinVar variation 4699571 (VCV004699571.1).

ClinVar aggregate classification (germline): Uncertain significance (1 of 4 stars; one submission).

gnomAD v4.1: 28 of 1,613,622 alleles (0.0017%); highest among the groups gnomAD compares: Middle Eastern, 0.017%; no homozygotes.

Submission:

Labcorp Genetics (formerly Invitae), Labcorp
Classification: Uncertain significance. Last evaluated: 2025-12-19. Review status: criteria provided, single submitter. Criteria: Invitae Variant Classification Sherloc (09022015). Collection method: clinical testing. Allele origin: germline.
Comment: This sequence change replaces serine, which is neutral and polar, with leucine, which is neutral and non-polar, at codon 199 of the LRRC8A protein (p.Ser199Leu). This variant is present in population databases (rs199868379, gnomAD 0.005%). This variant has not been reported in the literature in individuals affected with LRRC8A-related conditions. An algorithm developed to predict the effect of missense changes on protein structure and function (PolyPhen-2) suggests that this variant is likely to be disruptive. In summary, the available evidence is currently insufficient to determine the role of this variant in disease. Therefore, it has been classified as a Variant of Uncertain Significance.